The following is an entry in ClinVar:

NM_006996.3(SLC19A2):c.5A>G (p.Asp2Gly)

Genes: SLC19A2 (solute carrier family 19 member 2; minus strand), LOC129931894 (ATAC-STARR-seq lymphoblastoid silent region 1546; plus strand). Cytogenetic location: 1q24.2.
Variant type: single nucleotide variant.
Coding change: c.5A>G on transcript NM_006996.3 (MANE Select); coding-DNA position 5, A replaced by G.
Protein change: p.Asp2Gly; replaces aspartic acid 2 with glycine.
Molecular consequence: missense variant.
Genome position (GRCh38, 1-based): chr1:169,485,762, T>C on the plus strand (A>G on the coding strand, the complement: SLC19A2 is on the minus strand). VCF-style: chr1-169485762-T-C. GRCh37 (hg19) VCF-style: chr1-169455000-T-C.
Other names: c.5A>G, p.Asp2Gly (NM_001319667.1); short protein forms D2G.
Identifiers: ClinVar variation 2057197 (VCV002057197.2), dbSNP rs1427770805, ClinGen allele CA343112677.

ClinVar aggregate classification (germline): Uncertain significance (1 of 4 stars; one submission).

gnomAD v4.1: 4 of 1,531,660 alleles (0.00026%); highest among the groups gnomAD compares: South Asian, 0.0012%; no homozygotes.

Submission:

Labcorp Genetics (formerly Invitae), Labcorp
Classification: Uncertain significance. Last evaluated: 2025-10-13. Review status: criteria provided, single submitter. Criteria: Invitae Variant Classification Sherloc (09022015). Collection method: clinical testing. Allele origin: germline.
Comment: This sequence change replaces aspartic acid, which is acidic and polar, with glycine, which is neutral and non-polar, at codon 2 of the SLC19A2 protein (p.Asp2Gly). This variant is present in population databases (no rsID available, gnomAD 0.01%). This variant has not been reported in the literature in individuals affected with SLC19A2-related conditions. ClinVar contains an entry for this variant (Variation ID: 2057197). Invitae Evidence Modeling of protein sequence and biophysical properties (such as structural, functional, and spatial information, amino acid conservation, physicochemical variation, residue mobility, and thermodynamic stability) indicates that this missense variant is expected to disrupt SLC19A2 protein function with a positive predictive value of 95%. In summary, the available evidence is currently insufficient to determine the role of this variant in disease. Therefore, it has been classified as a Variant of Uncertain Significance.